The following is an entry in ClinVar:

ClinVar aggregate classification (germline): Likely benign. Review status: criteria provided, multiple submitters, no conflicts (2 of 4 stars). 2 submissions from 2 submitters: Likely benign (2). Last evaluated 2026-03-01.

Allele frequency attached by ClinVar (database versions not stated): ExAC 0.00005; gnomAD exomes 0.00006 and 0.00010; gnomAD 0.00010 and 0.00011; TOPMed 0.00016; 1000 Genomes Project 0.00020; 1000 Genomes Project 30x 0.00031.
gnomAD v4.1: 157 of 1,550,780 alleles (0.01%); highest among the groups gnomAD compares: Admixed American, 0.018%; no homozygotes.

Submissions (2):

CeGaT Center for Human Genetics Tuebingen
Classification: Likely benign. Last evaluated: 2026-03-01. Review status: criteria provided, single submitter. Criteria: CeGaT Center For Human Genetics Tuebingen Variant Classification Criteria Version 2. Collection method: clinical testing. Allele origin: germline. Affected: yes. Observed: 2 variant alleles.
Comment: LOXHD1: BP4, BP7

Labcorp Genetics (formerly Invitae), Labcorp
Classification: Likely benign. Last evaluated: 2026-01-24. Review status: criteria provided, single submitter. Criteria: Invitae Variant Classification Sherloc (09022015). Collection method: clinical testing. Allele origin: germline.

NM_001384474.1(LOXHD1):c.3939C>T (p.Tyr1313=)

Gene: LOXHD1 (lipoxygenase homology PLAT domains 1; minus strand). Cytogenetic location: 18q21.1.
Variant type: single nucleotide variant.
Coding change: c.3939C>T on transcript NM_001384474.1 (MANE Select); coding-DNA position 3939, C replaced by T.
Protein change: p.Tyr1313=; no amino-acid change (tyrosine 1313 retained).
Molecular consequence: synonymous variant.
Genome position (GRCh38, 1-based): chr18:46,538,312, G>A on the plus strand (C>T on the coding strand, the complement: LOXHD1 is on the minus strand). VCF-style: chr18-46538312-G-A. GRCh37 (hg19) VCF-style: chr18-44118275-G-A.
Other names: c.606C>T, p.Tyr202= (NM_001145472.3); c.318C>T, p.Tyr106= (NM_001308013.2); c.3939C>T, p.Tyr1313= (NM_144612.7).
Identifiers: ClinVar variation 756989 (VCV000756989.34), dbSNP rs562679090, ClinGen allele CA8952406.
Genomic context (GRCh38, chr18:46,538,312, plus strand): 5'-GCAGCCATAGATGATGATGAAGATGTTGGCATCTGTCCCAGCAGCAAAGACATCACTGGT[G>A]TAGAGGGTGATCTCGTAAGGAACAACTGAGGGTGGTGGTCAGAGGGCAAAGCCAGAGTGG-3'
Protein context (NP_001371403.1, residues 1303-1323): TPFVPYEITL[Tyr1313=]TSDVFAAGTD